The following is an entry in ClinVar:

NM_012414.4(RAB3GAP2):c.713-12T>C

Gene: RAB3GAP2 (RAB3 GTPase activating non-catalytic protein subunit 2; minus strand). Cytogenetic location: 1q41.
Variant type: single nucleotide variant.
Coding change: c.713-12T>C on transcript NM_012414.4 (MANE Select); 12 bases into the intron before coding-DNA position 713, T replaced by C.
Molecular consequence: intron variant.
Genome position (GRCh38, 1-based): chr1:220,202,386, A>G on the plus strand (T>C on the coding strand, the complement: RAB3GAP2 is on the minus strand). VCF-style: chr1-220202386-A-G. GRCh37 (hg19) VCF-style: chr1-220375728-A-G.
Identifiers: ClinVar variation 295666 (VCV000295666.19), dbSNP rs76473498, ClinGen allele CA1402919.

ClinVar aggregate classification (germline): Benign. Review status: criteria provided, multiple submitters, no conflicts (2 of 4 stars). 7 submissions from 6 submitters: Benign (5). 2 of the submissions do not count toward it. Last evaluated 2026-02-03.

Conditions:
Martsolf syndrome (MARTS). Also called: Congenital cataract with intellectual disability and hypogonadotropic hypogonadism syndrome. Identifiers: Orphanet 1387, MedGen C0796037, MONDO:0023910.
Warburg micro syndrome 2 (WARBM2). Also called: MICRO SYNDROME 2. Identifiers: Orphanet 2510, MedGen C3280214, MONDO:0013641, OMIM 614225.

Allele frequency attached by ClinVar (database versions not stated): 1000 Genomes Project 30x 0.01483; 1000 Genomes Project 0.01538; TOPMed 0.03302; ESP Exome Variant Server 0.03762; gnomAD 0.03766 and 0.03857; gnomAD exomes 0.03848 and 0.04835; ExAC 0.03921.
gnomAD v4.1: 75,961 of 1,609,464 alleles (4.7%); highest among the groups gnomAD compares: Non-Finnish European, 5.3%; 2,063 homozygotes.

Submissions (7):

Labcorp Genetics (formerly Invitae), Labcorp
Classification: Benign for Martsolf syndrome; Warburg micro syndrome 2. Last evaluated: 2026-02-03. Review status: criteria provided, single submitter. Criteria: Invitae Variant Classification Sherloc (09022015). Collection method: clinical testing. Allele origin: germline.

Illumina Laboratory Services, Illumina
Classification: Benign for Warburg micro syndrome 2. Last evaluated: 2018-01-12. Review status: criteria provided, single submitter. Criteria: ICSL Variant Classification Criteria 13 December 2019. Collection method: clinical testing. Allele origin: germline.
Comment: This variant was observed in the ICSL laboratory as part of a predisposition screen in an ostensibly healthy population. It had not been previously curated by ICSL or reported in the Human Gene Mutation Database (HGMD: prior to June 1st, 2018), and was therefore a candidate for classification through an automated scoring system. Utilizing variant allele frequency, disease prevalence and penetrance estimates, and inheritance mode, an automated score was calculated to assess if this variant is too frequent to cause the disease. Based on the score and internal cut-off values, a variant classified as benign is not then subjected to further curation. The score for this variant resulted in a classification of benign for this disease.

Illumina Laboratory Services, Illumina
Classification: Benign for Martsolf syndrome 1. Last evaluated: 2018-01-12. Review status: criteria provided, single submitter. Criteria: ICSL Variant Classification Criteria 13 December 2019. Collection method: clinical testing. Allele origin: germline.
Comment: the same text as in the submission from Illumina Laboratory Services, Illumina above.

GeneDx
Classification: Benign. Last evaluated: 2015-03-03. Review status: criteria provided, single submitter. Criteria: GeneDx Variant Classification Process June 2021. Collection method: clinical testing. Allele origin: germline. Affected: yes.

Breakthrough Genomics
Classification: Benign. Review status: criteria provided, single submitter. Criteria: ACMG Guidelines, 2015. Collection method: not provided. Allele origin: germline. Inheritance: Autosomal recessive inheritance. Affected: yes.

Clinical Genetics DNA and cytogenetics Diagnostics Lab, Erasmus MC, Erasmus Medical Center
Classification: Benign. Review status: no assertion criteria provided. Collection method: clinical testing. Allele origin: germline. Affected: yes. Study: VKGL Data-share Consensus. Not counted in ClinVar's aggregate classification.

Joint Genome Diagnostic Labs from Nijmegen and Maastricht, Radboudumc and MUMC+
Classification: Benign. Review status: no assertion criteria provided. Collection method: clinical testing. Allele origin: germline. Affected: yes. Study: VKGL Data-share Consensus. Not counted in ClinVar's aggregate classification.